The following is an entry in ClinVar:

NM_030912.3(TRIM8):c.357G>A (p.Val119=)

Gene: TRIM8 (tripartite motif containing 8; plus strand). Cytogenetic location: 10q24.32.
Variant type: single nucleotide variant.
Coding change: c.357G>A on transcript NM_030912.3 (MANE Select); coding-DNA position 357, G replaced by A.
Protein change: p.Val119=; no amino-acid change (valine 119 retained).
Molecular consequence: synonymous variant. On other transcripts: non-coding transcript variant (1).
Genome position (GRCh38, 1-based): chr10:102,644,974, G>A. VCF-style: chr10-102644974-G-A. GRCh37 (hg19) VCF-style: chr10-104404731-G-A.
Other names: c.357G>A, p.Val119= (NM_001345950.1); c.357G>A (NM_030912.2).
Identifiers: ClinVar variation 2966658 (VCV002966658.5), dbSNP rs767650424, ClinGen allele CA5668072.

ClinVar aggregate classification (germline): Likely benign. Review status: criteria provided, single submitter (1 of 4 stars). 2 submissions from 2 submitters: Likely benign (1). 1 of the submissions does not count toward it. Last evaluated 2025-06-04.

Conditions:
TRIM8-related disorder. Also called: TRIM8-related condition.

Allele frequency attached by ClinVar (database versions not stated): gnomAD 0.00002; ExAC 0.00001; TOPMed 0.00003.
gnomAD v4.1: 7 of 1,598,816 alleles (0.00044%); highest among the groups gnomAD compares: African/African-American, 0.0067%; no homozygotes.

Submissions (2):

Labcorp Genetics (formerly Invitae), Labcorp
Classification: Likely benign. Last evaluated: 2025-06-04. Review status: criteria provided, single submitter. Criteria: Invitae Variant Classification Sherloc (09022015). Collection method: clinical testing. Allele origin: germline.

PreventionGenetics, part of Exact Sciences
Classification: Likely benign for TRIM8-related condition. Last evaluated: 2022-12-19. Review status: no assertion criteria provided. Collection method: clinical testing. Allele origin: germline. Not counted in ClinVar's aggregate classification.
Comment: This variant is classified as likely benign based on ACMG/AMP sequence variant interpretation guidelines (Richards et al. 2015 PMID: 25741868, with internal and published modifications).